The following is an entry in ClinVar:

NM_013450.4(BAZ2B):c.4754C>T (p.Thr1585Ile)

Genes: BAZ2B (bromodomain adjacent to zinc finger domain 2B; minus strand), LOC126806390 (CDK7 strongly-dependent group 2 enhancer GRCh37_chr2:160205700-160206899; plus strand). Cytogenetic location: 2q24.2.
Variant type: single nucleotide variant.
Coding change: c.4754C>T on transcript NM_013450.4 (MANE Select); coding-DNA position 4754, C replaced by T.
Protein change: p.Thr1585Ile; replaces threonine 1585 with isoleucine.
Molecular consequence: missense variant.
Genome position (GRCh38, 1-based): chr2:159,349,817, G>A on the plus strand (C>T on the coding strand, the complement: BAZ2B is on the minus strand). VCF-style: chr2-159349817-G-A. GRCh37 (hg19) VCF-style: chr2-160206328-G-A.
Other names: c.4646C>T, p.Thr1549Ile (NM_001289975.1); c.4592C>T, p.Thr1531Ile (NM_001329857.2); c.4679C>T, p.Thr1560Ile (NM_001329858.2); c.4754C>T (NM_013450.2); short protein forms T1531I, T1549I, T1560I, T1585I.
Identifiers: ClinVar variation 3050679 (VCV003050679.3), dbSNP rs2472027654, ClinGen allele CA348928068.

ClinVar aggregate classification (germline): Uncertain significance. Review status: criteria provided, single submitter (1 of 4 stars). 2 submissions from 2 submitters: Uncertain significance (1). 1 of the submissions does not count toward it. Last evaluated 2025-11-19.

Conditions:
BAZ2B-related disorder. Also called: BAZ2B-related condition.
Inborn genetic diseases. Identifiers: MedGen C0950123, MeSH D030342.

Submissions (2):

Ambry Genetics
Classification: Uncertain significance for Inborn genetic diseases. Last evaluated: 2025-11-19. Review status: criteria provided, single submitter. Criteria: Ambry Variant Classification Scheme 2023. Collection method: clinical testing. Allele origin: germline.

PreventionGenetics, part of Exact Sciences
Classification: Uncertain significance for BAZ2B-related condition. Last evaluated: 2023-12-15. Review status: no assertion criteria provided. Collection method: clinical testing. Allele origin: germline. Not counted in ClinVar's aggregate classification.
Comment: The BAZ2B c.4646C>T variant is predicted to result in the amino acid substitution p.Thr1549Ile. To our knowledge, this variant has not been reported in the literature or in a large population database, indicating this variant is rare. At this time, the clinical significance of this variant is uncertain due to the absence of conclusive functional and genetic evidence.